The following is an entry in ClinVar:

ClinVar aggregate classification (germline): Uncertain significance (1 of 4 stars; one submission).

gnomAD v4.1: 13 of 1,202,674 alleles (0.0011%); highest among the groups gnomAD compares: Non-Finnish European, 0.0013%; no homozygotes.

Submission:

Labcorp Genetics (formerly Invitae), Labcorp
Classification: Uncertain significance. Last evaluated: 2025-08-06. Review status: criteria provided, single submitter. Criteria: Invitae Variant Classification Sherloc (09022015). Collection method: clinical testing. Allele origin: germline.
Comment: This sequence change replaces alanine, which is neutral and non-polar, with valine, which is neutral and non-polar, at codon 17 of the DEAF1 protein (p.Ala17Val). This variant is not present in population databases (gnomAD no frequency). This variant has not been reported in the literature in individuals affected with DEAF1-related conditions. Invitae Evidence Modeling of protein sequence and biophysical properties (such as structural, functional, and spatial information, amino acid conservation, physicochemical variation, residue mobility, and thermodynamic stability) indicates that this missense variant is not expected to disrupt DEAF1 protein function with a negative predictive value of 80%. In summary, the available evidence is currently insufficient to determine the role of this variant in disease. Therefore, it has been classified as a Variant of Uncertain Significance.

NM_021008.4(DEAF1):c.50C>T (p.Ala17Val)

Gene: DEAF1 (DEAF1 transcription factor; minus strand). Cytogenetic location: 11p15.5.
Variant type: single nucleotide variant.
Coding change: c.50C>T on transcript NM_021008.4 (MANE Select); coding-DNA position 50, C replaced by T.
Protein change: p.Ala17Val; replaces alanine 17 with valine.
Molecular consequence: missense variant. On other transcripts: 5 prime UTR variant (3), intron variant (1).
Genome position (GRCh38, 1-based): chr11:694,998, G>A on the plus strand (C>T on the coding strand, the complement: DEAF1 is on the minus strand). VCF-style: chr11-694998-G-A. GRCh37 (hg19) VCF-style: chr11-694998-G-A.
Other names: c.50C>T, p.Ala17Val (NM_001293634.2, NM_001440883.1, NM_001440884.1); c.-547C>T (NM_001440885.1); c.-1947C>T (NM_001440886.1); c.-757C>T (NM_001440887.1); c.-437-3400C>T (NM_001367390.1); short protein forms A17V.
Identifiers: ClinVar variation 4742567 (VCV004742567.1).